The following is an entry in ClinVar:

NM_172107.4(KCNQ2):c.1880del (p.Glu627fs)

Gene: KCNQ2 (potassium voltage-gated channel subfamily Q member 2; minus strand). Cytogenetic location: 20q13.33.
Variant type: Deletion.
Coding change: c.1880del on transcript NM_172107.4 (MANE Select); coding-DNA position 1880, one base deleted (A; older notation c.1880delA).
Protein change: p.Glu627fs; shifts the reading frame from glutamic acid 627.
Molecular consequence: frameshift variant.
Genome position (GRCh38, 1-based): chr20:63,408,420, T deleted on the plus strand (A on the coding strand, the reverse complement: KCNQ2 is on the minus strand). VCF-style (leftmost placement, unchanged base first): chr20-63408419-CT-C. GRCh37 (hg19) VCF-style: chr20-62039772-CT-C.
Other names: c.1796del, p.Glu599fs (NM_004518.6); c.1826del, p.Glu609fs (NM_172106.3); c.1787del, p.Glu596fs (NM_172108.5); short protein forms E599fs, E596fs, E609fs, E627fs.
Identifiers: ClinVar variation 817805 (VCV000817805.1), dbSNP rs1601548832, ClinGen allele CA915952961.

ClinVar aggregate classification (germline): Likely pathogenic (1 of 4 stars; one submission).

Submission:

GeneDx
Classification: Likely pathogenic. Last evaluated: 2018-09-07. Review status: criteria provided, single submitter. Criteria: GeneDx Variant Classification (06012015). Collection method: clinical testing. Allele origin: germline. Affected: yes.
Comment: A variant that is likely pathogenic has been identified in the KCNQ2 gene. The c.1880delA variant has not been published as a pathogenic variant, nor has it been reported as a benign variant to our knowledge. The c.1880delA variant is not observed in large population cohorts (Lek et al., 2016). The c.1880delA variant causes a frameshift starting with codon Glutamic acid 627, changes this amino acid to a Glycine residue and creates a premature Stop codon at position 15 of the new reading frame, denoted p.E627GfsX15. This likely pathogenic variant is predicted to cause loss of normal protein function through protein truncation, as the last 246 amino acids are replaced by 14 incorrect amino acids. This substitution is predicted to be within the C-terminal cytoplasmic domain. Therefore, this variant is likely pathogenic; however, the possibility that it is benign cannot be excluded.